The following is an entry in ClinVar:

NM_020338.4(ZMIZ1):c.3158C>T (p.Pro1053Leu)

Gene: ZMIZ1 (zinc finger MIZ-type containing 1; plus strand). Cytogenetic location: 10q22.3.
Variant type: single nucleotide variant.
Coding change: c.3158C>T on transcript NM_020338.4 (MANE Select); coding-DNA position 3158, C replaced by T.
Protein change: p.Pro1053Leu; replaces proline 1053 with leucine.
Molecular consequence: missense variant.
Genome position (GRCh38, 1-based): chr10:79,312,703, C>T. VCF-style: chr10-79312703-C-T. GRCh37 (hg19) VCF-style: chr10-81072460-C-T.
Other names: short protein forms P1053L.
Identifiers: ClinVar variation 4526944 (VCV004526944.1).

ClinVar aggregate classification (germline): Uncertain significance (1 of 4 stars; one submission).

gnomAD v4.1: 2 of 1,614,202 alleles (0.00012%); highest among the groups gnomAD compares: Admixed American, 0.0017%; no homozygotes.

Submission:

GeneDx
Classification: Uncertain significance. Last evaluated: 2025-05-01. Review status: criteria provided, single submitter. Criteria: GeneDx Variant Classification Process June 2021. Collection method: clinical testing. Allele origin: germline. Affected: yes.
Comment: In silico analysis supports that this missense variant has a deleterious effect on protein structure/function; Has not been previously published as pathogenic or benign to our knowledge